The following is an entry in ClinVar:

ClinVar aggregate classification (germline): Benign/Likely benign. Review status: criteria provided, multiple submitters, no conflicts (2 of 4 stars). 2 submissions from 2 submitters: Benign (1); Likely benign (1). Last evaluated 2026-07-02.

Conditions:
Sessile serrated polyposis cancer syndrome (SSPCS). Identifiers: Orphanet 157798, MedGen C4310714, MONDO:0014919, OMIM 617108.

gnomAD v4.1: 2 of 1,613,976 alleles (0.00012%); highest among the groups gnomAD compares: Non-Finnish European, 0.00017%; no homozygotes.

Submissions (2):

Myriad Genetics, Inc.
Classification: Benign for Sessile serrated polyposis cancer syndrome. Last evaluated: 2026-07-02. Review status: criteria provided, single submitter. Criteria: Myriad Autosomal Dominant, Autosomal Recessive and X-Linked Classification Criteria (2023). Collection method: clinical testing. Allele origin: unknown.
Comment: This variant is considered benign. This variant is a silent/synonymous amino acid change and it is not expected to impact splicing.

Ambry Genetics
Classification: Likely benign. Last evaluated: 2024-12-02. Review status: criteria provided, single submitter. Criteria: Ambry Variant Classification Scheme 2023. Collection method: clinical testing. Allele origin: germline.

NM_017763.6(RNF43):c.2151C>T (p.Pro717=)

Gene: RNF43 (ring finger protein 43; minus strand). Cytogenetic location: 17q22.
Variant type: single nucleotide variant.
Coding change: c.2151C>T on transcript NM_017763.6 (MANE Select); coding-DNA position 2151, C replaced by T.
Protein change: p.Pro717=; no amino-acid change (proline 717 retained).
Molecular consequence: synonymous variant.
Genome position (GRCh38, 1-based): chr17:58,357,625, G>A on the plus strand (C>T on the coding strand, the complement: RNF43 is on the minus strand). VCF-style: chr17-58357625-G-A. GRCh37 (hg19) VCF-style: chr17-56434986-G-A.
Other names: c.2151C>T, p.Pro717= (NM_001305544.3); c.1770C>T, p.Pro590= (NM_001305545.2).
Identifiers: ClinVar variation 3434536 (VCV003434536.2).